The following is an entry in ClinVar:

ClinVar aggregate classification (germline): Uncertain significance (1 of 4 stars; one submission).

Submission:

Clinical Genomics Laboratory, Laboratory for Precision Diagnostics, University of Washington
Classification: Uncertain significance. Last evaluated: 2024-03-25. Review status: criteria provided, single submitter. Criteria: ACMG/ClinGen CNV Guidelines, 2019. Collection method: clinical testing. Allele origin: unknown. Affected: yes. Observed: 1 variant allele.
Comment: This interstitial duplication is approximately 784 kb in size and encompasses part or all of 8 protein-coding genes. All but one are olfactory receptor genes. None of the genes in this region are known to cause medical problems in humans when an extra copy is present (triplosensitivity), and this is not a known triplosensitive genomic region. The distal breakpoint of the duplication falls within intron 1 of PTPRJ (NM_002843.4; OMIM 600925). It is unknown whether this duplication would disrupt PTPRJ or affect its expression. PTPRJ is not predicted to be haploinsufficient by any of the four models. Loss of function variants in both copies of PTPRJ have been found in people with congenial thrombocytopenia. A review of public databases and the medical literature shows several people with similar duplications who have neither thrombocytopenia nor a conotruncal heart defect (DECIPHER 250532, 285181). PMID:26643481 reported a paternally inherited partial deletion of PTPRJ in a person with tetralogy of Fallot. Similar duplications appear at low frequency in the Database of Genomic Variants (dgv1112n100) and gnomAD (DUP_CHR11_1AD189FA).

Literature cited by the submitters: PubMed 36729052; PubMed 25962607; PubMed 36729053; PubMed 26643481.

GRCh38/hg38 11p11.2-11.12(chr11:48083730-48867574)x3

Genes: MIR3161 (microRNA 3161; plus strand), OR4A47 (olfactory receptor family 4 subfamily A member 47; plus strand), OR4B1 (olfactory receptor family 4 subfamily B member 1; plus strand), OR4C3 (olfactory receptor family 4 subfamily C member 3; plus strand), OR4C5 (olfactory receptor family 4 subfamily C member 5; minus strand) and 4 more. Cytogenetic location: 11p11.2-11.12.
Variant type: copy number gain.
Change: copy number 3 (three copies instead of two) of chr11:48,083,730-48,867,574 (783.8 kb, GRCh38 coordinates, 1-based), cytogenetic band 11p11.2-11.12.
Identifiers: ClinVar variation 4974729 (VCV004974729.1).